The following is an entry in ClinVar:

ClinVar aggregate classification (germline): Uncertain significance (1 of 4 stars; one submission).

gnomAD v4.1: 1 of 1,551,780 alleles (0.000064%); highest among the groups gnomAD compares: Non-Finnish European, 0.000087%; no homozygotes.

Submission:

Labcorp Genetics (formerly Invitae), Labcorp
Classification: Uncertain significance. Last evaluated: 2021-11-22. Review status: criteria provided, single submitter. Criteria: Invitae Variant Classification Sherloc (09022015). Collection method: clinical testing. Allele origin: germline.
Comment: This sequence change replaces asparagine, which is neutral and polar, with lysine, which is basic and polar, at codon 572 of the LOXHD1 protein (p.Asn572Lys). This variant is not present in population databases (gnomAD no frequency). This variant has not been reported in the literature in individuals affected with LOXHD1-related conditions. Algorithms developed to predict the effect of missense changes on protein structure and function are either unavailable or do not agree on the potential impact of this missense change (SIFT: "Tolerated"; PolyPhen-2: "Possibly Damaging"; Align-GVGD: "Class C0"). In summary, the available evidence is currently insufficient to determine the role of this variant in disease. Therefore, it has been classified as a Variant of Uncertain Significance.

NM_001384474.1(LOXHD1):c.1716C>A (p.Asn572Lys)

Gene: LOXHD1 (lipoxygenase homology PLAT domains 1; minus strand). Cytogenetic location: 18q21.1.
Variant type: single nucleotide variant.
Coding change: c.1716C>A on transcript NM_001384474.1 (MANE Select); coding-DNA position 1716, C replaced by A.
Protein change: p.Asn572Lys; replaces asparagine 572 with lysine.
Molecular consequence: missense variant.
Genome position (GRCh38, 1-based): chr18:46,579,723, G>T on the plus strand (C>A on the coding strand, the complement: LOXHD1 is on the minus strand). VCF-style: chr18-46579723-G-T. GRCh37 (hg19) VCF-style: chr18-44159686-G-T.
Other names: c.1716C>A, p.Asn572Lys (NM_144612.7); short protein forms N572K.
Identifiers: ClinVar variation 1393104 (VCV001393104.3), dbSNP rs147582935, ClinGen allele CA402379057.